The following is an entry in ClinVar:

ClinVar aggregate classification (germline): Uncertain significance. Review status: criteria provided, multiple submitters, no conflicts (2 of 4 stars). 2 submissions from 2 submitters: Uncertain significance (2). Last evaluated 2025-08-10.

Conditions:
Hereditary cancer-predisposing syndrome. Also called: Tumor predisposition; Hereditary Cancer Syndrome; Hereditary neoplastic syndrome; Neoplastic Syndromes, Hereditary. Identifiers: Orphanet 140162, MedGen C0027672, MeSH D009386, MONDO:0015356.
Hereditary pheochromocytoma and paraganglioma. Also called: Hereditary paragangliomas and pheochromocytomas; Hereditary Paraganglioma-Pheochromocytoma Syndromes; Hereditary pheochromocytoma-paraganglioma. Identifiers: Orphanet 29072, MedGen C4274332, MONDO:0017366.

Submissions (2):

Ambry Genetics
Classification: Uncertain significance for Hereditary cancer-predisposing syndrome. Last evaluated: 2025-08-10. Review status: criteria provided, single submitter. Criteria: Ambry Variant Classification Scheme 2023. Collection method: clinical testing. Allele origin: germline.
Comment: The p.A190G variant (also known as c.569C>G), located in coding exon 3 of the TMEM127 gene, results from a C to G substitution at nucleotide position 569. The alanine at codon 190 is replaced by glycine, an amino acid with similar properties. This amino acid position is conserved. In addition, this alteration is predicted to be deleterious by in silico analysis. Since supporting evidence is limited at this time, the clinical significance of this alteration remains unclear.

Labcorp Genetics (formerly Invitae), Labcorp
Classification: Uncertain significance for Hereditary pheochromocytoma and paraganglioma. Last evaluated: 2024-04-22. Review status: criteria provided, single submitter. Criteria: Invitae Variant Classification Sherloc (09022015). Collection method: clinical testing. Allele origin: germline.
Comment: This sequence change replaces alanine, which is neutral and non-polar, with glycine, which is neutral and non-polar, at codon 190 of the TMEM127 protein (p.Ala190Gly). This variant is not present in population databases (gnomAD no frequency). This variant has not been reported in the literature in individuals affected with TMEM127-related conditions. ClinVar contains an entry for this variant (Variation ID: 1521632). An algorithm developed to predict the effect of missense changes on protein structure and function (PolyPhen-2) suggests that this variant is likely to be disruptive. In summary, the available evidence is currently insufficient to determine the role of this variant in disease. Therefore, it has been classified as a Variant of Uncertain Significance.

NM_017849.4(TMEM127):c.569C>G (p.Ala190Gly)

Gene: TMEM127 (transmembrane protein 127; minus strand). Cytogenetic location: 2q11.2.
Variant type: single nucleotide variant.
Coding change: c.569C>G on transcript NM_017849.4 (MANE Select); coding-DNA position 569, C replaced by G.
Protein change: p.Ala190Gly; replaces alanine 190 with glycine.
Molecular consequence: missense variant.
Genome position (GRCh38, 1-based): chr2:96,253,956, G>C on the plus strand (C>G on the coding strand, the complement: TMEM127 is on the minus strand). VCF-style: chr2-96253956-G-C. GRCh37 (hg19) VCF-style: chr2-96919694-G-C.
Other names: c.569C>G, p.Ala190Gly (NM_001193304.3); short protein forms A190G.
Identifiers: ClinVar variation 1521632 (VCV001521632.11), dbSNP rs2104284000, ClinGen allele CA347652310.